The following is an entry in ClinVar:

ClinVar aggregate classification (germline): Conflicting classifications of pathogenicity. Review status: criteria provided, conflicting classifications (1 of 4 stars). 2 submissions from 2 submitters: Uncertain significance (1); Likely benign (1). Last evaluated 2022-03-31.

Conditions:
Hereditary spastic paraplegia 2 (SPG2). Also called: SPASTIC PARAPLEGIA 2, X-LINKED; Spastic Paraplegia 2 (SPG2). Identifiers: Orphanet 99015, MedGen C0751604, MONDO:0010733, OMIM 312920.
Pelizaeus-Merzbacher disease. Also called: Pelizaeus-Merzbacher spectrum disorder; Pelizaeus-Merzbacher Disease (PMD); LEUKODYSTROPHY, HYPOMYELINATING, 1; Sudanophilic leukodystrophy; Pelizeaus-Merzbacher spectrum disorder. Identifiers: Orphanet 702, MedGen C0205711, MONDO:0010714, OMIM 312080, HP:0003269.

Submissions (2):

Labcorp Genetics (formerly Invitae), Labcorp
Classification: Likely benign for Hereditary spastic paraplegia 2. Last evaluated: 2022-03-31. Review status: criteria provided, single submitter. Criteria: Invitae Variant Classification Sherloc (09022015). Collection method: clinical testing. Allele origin: germline.

Molecular Diagnostics Lab, Nemours Children's Health, Delaware
Classification: Uncertain significance for Pelizaeus-Merzbacher disease. Last evaluated: 2021-11-18. Review status: criteria provided, single submitter. Criteria: ACMG Guidelines, 2015. Collection method: clinical testing. Allele origin: unknown. Inheritance: X-linked inheritance. Affected: yes. Observed: 1 hemizygote.
Comment: This variant (c.378C>T, p.Ser126=) predicts a synonymous change and has not been observed in population databases (gnomAD). It has not been described in the literature. No functional studies have been published. There is insufficient evidence available to provide a classification other than uncertain significance for this variant.

NM_000533.5(PLP1):c.378C>T (p.Ser126=)

Genes: PLP1 (proteolipid protein 1; plus strand), RAB9B (RAB9B, member RAS oncogene family; minus strand). Cytogenetic location: Xq22.2.
Variant type: single nucleotide variant.
Coding change: c.378C>T on transcript NM_000533.5 (MANE Select); coding-DNA position 378, C replaced by T.
Protein change: p.Ser126=; no amino-acid change (serine 126 retained).
Molecular consequence: synonymous variant. On other transcripts: intron variant (1).
Genome position (GRCh38, 1-based): chrX:103,786,651, C>T. VCF-style: chrX-103786651-C-T. GRCh37 (hg19) VCF-style: chrX-103041580-C-T.
Other names: c.378C>T, p.Ser126= (NM_001128834.3); c.213C>T, p.Ser71= (NM_001305004.1); c.348+30C>T (NM_199478.3).
Identifiers: ClinVar variation 2119916 (VCV002119916.6), dbSNP rs2522307983, ClinGen allele CA518092131.